The following is an entry in ClinVar:

ClinVar aggregate classification (germline): Uncertain significance (1 of 4 stars; one submission).

Conditions:
Neuropathy, hereditary sensory and autonomic, type 2A (HSAN2A). Also called: ACROOSTEOLYSIS, GIACCAI TYPE; ACROOSTEOLYSIS, NEUROGENIC; WNK1-Related HSAN2 (HSAN2A); HSAN IIA; MORVAN DISEASE; NEUROPATHY, CONGENITAL SENSORY. Identifiers: Orphanet 970, MedGen C2752089, MONDO:0024309, OMIM 201300.
Generalized epilepsy with febrile seizures plus, type 7 (GEFSP7). Also called: GEFS+, TYPE 7. Identifiers: Orphanet 36387, MedGen C2751778, MONDO:0013470, OMIM 613863.

Allele frequency attached by ClinVar (database versions not stated): TOPMed below 0.00001; gnomAD 0.00001.
gnomAD v4.1: 1 of 1,614,028 alleles (0.000062%); highest among the groups gnomAD compares: African/African-American, 0.0013%; no homozygotes.

Submission:

Labcorp Genetics (formerly Invitae), Labcorp
Classification: Uncertain significance for Neuropathy, hereditary sensory and autonomic, type 2A; Generalized epilepsy with febrile seizures plus, type 7. Last evaluated: 2022-08-15. Review status: criteria provided, single submitter. Criteria: Invitae Variant Classification Sherloc (09022015). Collection method: clinical testing. Allele origin: germline.
Comment: ClinVar contains an entry for this variant (Variation ID: 639009). Algorithms developed to predict the effect of missense changes on protein structure and function are either unavailable or do not agree on the potential impact of this missense change (SIFT: "Tolerated"; PolyPhen-2: "Probably Damaging"; Align-GVGD: "Class C0"). In summary, the available evidence is currently insufficient to determine the role of this variant in disease. Therefore, it has been classified as a Variant of Uncertain Significance. This sequence change replaces glycine, which is neutral and non-polar, with arginine, which is basic and polar, at codon 626 of the SCN9A protein (p.Gly626Arg). This variant is not present in population databases (gnomAD no frequency). This variant has not been reported in the literature in individuals affected with SCN9A-related conditions.

NM_001365536.1(SCN9A):c.1876G>C (p.Gly626Arg)

Genes: SCN9A (sodium voltage-gated channel alpha subunit 9; minus strand), SCN1A-AS1 (SCN1A and SCN9A antisense RNA 1; plus strand). Cytogenetic location: 2q24.3.
Variant type: single nucleotide variant.
Coding change: c.1876G>C on transcript NM_001365536.1 (MANE Select); coding-DNA position 1876, G replaced by C.
Protein change: p.Gly626Arg; replaces glycine 626 with arginine.
Molecular consequence: missense variant.
Genome position (GRCh38, 1-based): chr2:166,284,551, C>G on the plus strand (G>C on the coding strand, the complement: SCN9A is on the minus strand). VCF-style: chr2-166284551-C-G. GRCh37 (hg19) VCF-style: chr2-167141061-C-G.
Other names: c.1876G>C, p.Gly626Arg (NM_002977.4); short protein forms G626R.
Identifiers: ClinVar variation 639009 (VCV000639009.9), dbSNP rs764566980, ClinGen allele CA349082864.